The following is an entry in ClinVar:

ClinVar aggregate classification (germline): Uncertain significance (1 of 4 stars; one submission).

gnomAD v4.1: 2 of 1,614,098 alleles (0.00012%); highest among the groups gnomAD compares: East Asian, 0.0022%; no homozygotes.

Submission:

Women's Health and Genetics/Laboratory Corporation of America, LabCorp
Classification: Uncertain significance. Last evaluated: 2025-05-13. Review status: criteria provided, single submitter. Criteria: LabCorp Variant Classification Summary - May 2015. Collection method: clinical testing. Allele origin: germline.
Comment: Variant summary: PTPN22 c.1420T>C (p.Ser474Pro) results in a non-conservative amino acid change in the encoded protein sequence. Algorithms developed to predict the effect of missense changes on protein structure and function are either unavailable or do not agree on the potential impact of this missense change. The variant allele was found at a frequency of 4e-06 in 251338 control chromosomes (gnomAD). The available data on variant occurrences in the general population are insufficient to allow any conclusion about variant significance. To our knowledge, no occurrence of c.1420T>C in individuals affected with PTPN22-Related Disorders and no experimental evidence demonstrating its impact on protein function have been reported. No submitters have cited clinical-significance assessments for this variant to ClinVar. Based on the evidence outlined above, the variant was classified as uncertain significance.

NM_015967.8(PTPN22):c.1420T>C (p.Ser474Pro)

Genes: AP4B1-AS1 (AP4B1 antisense RNA 1; plus strand), PTPN22 (protein tyrosine phosphatase non-receptor type 22; minus strand). Cytogenetic location: 1p13.2.
Variant type: single nucleotide variant.
Coding change: c.1420T>C on transcript NM_015967.8 (MANE Select); coding-DNA position 1420, T replaced by C.
Protein change: p.Ser474Pro; replaces serine 474 with proline.
Molecular consequence: missense variant.
Genome position (GRCh38, 1-based): chr1:113,837,980, A>G on the plus strand (T>C on the coding strand, the complement: PTPN22 is on the minus strand). VCF-style: chr1-113837980-A-G. GRCh37 (hg19) VCF-style: chr1-114380602-A-G.
Other names: c.1420T>C, p.Ser474Pro (NM_001193431.3); c.1348T>C, p.Ser450Pro (NM_001308297.2); c.1255T>C, p.Ser419Pro (NM_012411.6); short protein forms S419P, S450P, S474P.
Identifiers: ClinVar variation 3902271 (VCV003902271.1).